The following is an entry in ClinVar:

ClinVar aggregate classification (germline): Uncertain significance (1 of 4 stars; one submission).

Conditions:
Cardiovascular phenotype. Identifiers: MedGen CN230736.

Submission:

Ambry Genetics
Classification: Uncertain significance for Cardiovascular phenotype. Last evaluated: 2025-12-07. Review status: criteria provided, single submitter. Criteria: Ambry Variant Classification Scheme 2023. Collection method: clinical testing. Allele origin: germline.
Comment: The p.A134T variant (also known as c.400G>A), located in coding exon 4 of the SPRED1 gene, results from a G to A substitution at nucleotide position 400. The alanine at codon 134 is replaced by threonine, an amino acid with similar properties. This amino acid position is conserved. In addition, this alteration is predicted to be tolerated by in silico analysis. Based on the available evidence, the clinical significance of this variant remains unclear.

NM_152594.3(SPRED1):c.400G>A (p.Ala134Thr)

Gene: SPRED1 (sprouty related EVH1 domain containing 1; plus strand). Cytogenetic location: 15q14.
Variant type: single nucleotide variant.
Coding change: c.400G>A on transcript NM_152594.3 (MANE Select); coding-DNA position 400, G replaced by A.
Protein change: p.Ala134Thr; replaces alanine 134 with threonine.
Molecular consequence: missense variant.
Genome position (GRCh38, 1-based): chr15:38,324,786, G>A. VCF-style: chr15-38324786-G-A. GRCh37 (hg19) VCF-style: chr15-38616987-G-A.
Other names: short protein forms A134T.
Identifiers: ClinVar variation 4615047 (VCV004615047.1).